The following is an entry in ClinVar:

ClinVar aggregate classification (germline): Benign. Review status: criteria provided, multiple submitters, no conflicts (2 of 4 stars). 2 submissions from 2 submitters: Benign (2). Last evaluated 2026-01-24.

Conditions:
Congenital disorder of glycosylation type Ir (CDG1R). Also called: DDOST-congenital disorder of glycosylation. Identifiers: Orphanet 300536, MedGen C3281084, MONDO:0013789, OMIM 614507.

Allele frequency attached by ClinVar (database versions not stated): gnomAD 0.00980 and 0.01029; ESP Exome Variant Server 0.01000; TOPMed 0.01104; 1000 Genomes Project 0.01498; 1000 Genomes Project 30x 0.01624.

Submissions (2):

Labcorp Genetics (formerly Invitae), Labcorp
Classification: Benign for Congenital disorder of glycosylation type Ir. Last evaluated: 2026-01-24. Review status: criteria provided, single submitter. Criteria: Invitae Variant Classification Sherloc (09022015). Collection method: clinical testing. Allele origin: germline.

GeneDx
Classification: Benign. Last evaluated: 2016-06-03. Review status: criteria provided, single submitter. Criteria: GeneDx Variant Classification (06012015). Collection method: clinical testing. Allele origin: germline. Affected: yes.
Comment: This variant is considered likely benign or benign based on one or more of the following criteria: it is a conservative change, it occurs at a poorly conserved position in the protein, it is predicted to be benign by multiple in silico algorithms, and/or has population frequency not consistent with disease.

NM_005216.5(DDOST):c.265+9T>A

Gene: DDOST (dolichyl-diphosphooligosaccharide--protein glycosyltransferase non-catalytic subunit; minus strand). Cytogenetic location: 1p36.12.
Variant type: single nucleotide variant.
Coding change: c.265+9T>A on transcript NM_005216.5 (MANE Select); 9 bases into the intron after coding-DNA position 265, T replaced by A.
Molecular consequence: intron variant.
Genome position (GRCh38, 1-based): chr1:20,660,872, A>T on the plus strand (T>A on the coding strand, the complement: DDOST is on the minus strand). VCF-style: chr1-20660872-A-T. GRCh37 (hg19) VCF-style: chr1-20987365-A-T.
Identifiers: ClinVar variation 385023 (VCV000385023.12), dbSNP rs79243170, ClinGen allele CA661316.